The following is an entry in ClinVar:

NM_012472.6(DNAAF11):c.609C>T (p.Asn203=)

Gene: DNAAF11 (dynein axonemal assembly factor 11; minus strand). Cytogenetic location: 8q24.22.
Variant type: single nucleotide variant.
Coding change: c.609C>T on transcript NM_012472.6 (MANE Select); coding-DNA position 609, C replaced by T.
Protein change: p.Asn203=; no amino-acid change (asparagine 203 retained).
Molecular consequence: synonymous variant. On other transcripts: non-coding transcript variant (1).
Genome position (GRCh38, 1-based): chr8:132,632,784, G>A on the plus strand (C>T on the coding strand, the complement: DNAAF11 is on the minus strand). VCF-style: chr8-132632784-G-A. GRCh37 (hg19) VCF-style: chr8-133645030-G-A.
Other names: c.609C>T, p.Asn203= (NM_001321961.2); c.363C>T, p.Asn121= (NM_001321962.2); c.249C>T, p.Asn83= (NM_001321963.2, NM_001321964.2, NM_001321965.2 and 1 more transcripts).
Identifiers: ClinVar variation 260277 (VCV000260277.30), dbSNP rs35956157, ClinGen allele CA4881346.
Genomic context (GRCh38, chr8:132,632,784, plus strand): 5'-CTAATAATTTACATACAGAGTAGCATTGATGTCTGTGTACCAACGTCCATCAAAGCCTGC[G>A]TTACTTCTCTTGTCTTCATTTTTATCCTCTTCTTGGTGTTTCCTCTGAGCCTCTTCCTTG-3'
Protein context (NP_036604.2, residues 193-213): EEDKNEDKRS[Asn203=]AGFDGRWYTD

ClinVar aggregate classification (germline): Benign. Review status: criteria provided, multiple submitters, no conflicts (2 of 4 stars). 7 submissions from 7 submitters: Benign (7). Last evaluated 2026-01-28.

Conditions:
Primary ciliary dyskinesia 19. Also called: CILIARY DYSKINESIA, PRIMARY, 19, WITH OR WITHOUT SITUS INVERSUS. Identifiers: Orphanet 244, MedGen C3543826, MONDO:0013979, OMIM 614935.
Primary ciliary dyskinesia. Also called: Ciliary dyskinesia. Identifiers: Orphanet 244, MedGen C0008780, MONDO:0016575, HP:0012265.

Allele frequency attached by ClinVar (database versions not stated): gnomAD exomes 0.00143 and 0.00389; ExAC 0.00479; gnomAD 0.01471 and 0.01575; TOPMed 0.01626; 1000 Genomes Project 0.01717; ESP Exome Variant Server 0.01868; 1000 Genomes Project 30x 0.01905.
gnomAD v4.1: 4,410 of 1,613,786 alleles (0.27%); highest among the groups gnomAD compares: African/African-American, 5.1%; 106 homozygotes.

Submissions (7):

Labcorp Genetics (formerly Invitae), Labcorp
Classification: Benign for Primary ciliary dyskinesia 19. Last evaluated: 2026-01-28. Review status: criteria provided, single submitter. Criteria: Invitae Variant Classification Sherloc (09022015). Collection method: clinical testing. Allele origin: germline.

ARUP Laboratories, Molecular Genetics and Genomics, ARUP Laboratories
Classification: Benign. Last evaluated: 2022-10-21. Review status: criteria provided, single submitter. Criteria: ARUP Molecular Germline Variant Investigation Process 2021. Collection method: clinical testing. Allele origin: germline.

GeneDx
Classification: Benign. Last evaluated: 2019-12-23. Review status: criteria provided, single submitter. Criteria: GeneDx Variant Classification Process June 2021. Collection method: clinical testing. Allele origin: germline. Affected: yes.

Illumina Laboratory Services, Illumina
Classification: Benign for Primary ciliary dyskinesia 19. Last evaluated: 2018-01-13. Review status: criteria provided, single submitter. Criteria: ICSL Variant Classification Criteria 13 December 2019. Collection method: clinical testing. Allele origin: germline.
Comment: This variant was observed in the ICSL laboratory as part of a predisposition screen in an ostensibly healthy population. It had not been previously curated by ICSL or reported in the Human Gene Mutation Database (HGMD: prior to June 1st, 2018), and was therefore a candidate for classification through an automated scoring system. Utilizing variant allele frequency, disease prevalence and penetrance estimates, and inheritance mode, an automated score was calculated to assess if this variant is too frequent to cause the disease. Based on the score and internal cut-off values, a variant classified as benign is not then subjected to further curation. The score for this variant resulted in a classification of benign for this disease.

Ambry Genetics
Classification: Benign for Primary ciliary dyskinesia. Last evaluated: 2016-08-10. Review status: criteria provided, single submitter. Criteria: Ambry Variant Classification Scheme 2023. Collection method: clinical testing. Allele origin: germline.

Breakthrough Genomics
Classification: Benign. Review status: criteria provided, single submitter. Criteria: ACMG Guidelines, 2015. Collection method: not provided. Allele origin: germline. Inheritance: Autosomal recessive inheritance. Affected: yes.

PreventionGenetics, part of Exact Sciences
Classification: Benign. Review status: criteria provided, single submitter. Criteria: ACMG Guidelines, 2015. Collection method: clinical testing. Allele origin: germline.